The following is an entry in ClinVar:

NM_022114.4(PRDM16):c.42C>T (p.Asp14=)

Gene: PRDM16 (PR/SET domain 16; plus strand). Cytogenetic location: 1p36.32.
Variant type: single nucleotide variant.
Coding change: c.42C>T on transcript NM_022114.4 (MANE Select); coding-DNA position 42, C replaced by T.
Protein change: p.Asp14=; no amino-acid change (aspartic acid 14 retained).
Molecular consequence: synonymous variant.
Genome position (GRCh38, 1-based): chr1:3,186,129, C>T. VCF-style: chr1-3186129-C-T. GRCh37 (hg19) VCF-style: chr1-3102693-C-T.
Other names: c.42C>T, p.Asp14= (NM_199454.3); c.42C>T (NM_022114.3).
Identifiers: ClinVar variation 1083420 (VCV001083420.12), dbSNP rs540560495, ClinGen allele CA543679.
Genomic context (GRCh38, chr1:3,186,129, plus strand): 5'-GTACACACTGGGTGGGGCACGTGCTGCAGAGGTTGACGCTGCGTTGTCTCCTTTAGGTGA[C>T]GGTGACGTTGTAAATAATATGTATGAGCCCAACCGGGACCTGCTGGCCAGCCACAGCGCG-3'
Protein context (NP_071397.3, residues 4-24): KARARKLAKS[Asp14=]GDVVNNMYEP

ClinVar aggregate classification (germline): Likely benign. Review status: criteria provided, multiple submitters, no conflicts (2 of 4 stars). 4 submissions from 4 submitters: Likely benign (4). Last evaluated 2025-12-22.

Conditions:
Inborn genetic diseases. Identifiers: MedGen C0950123, MeSH D030342.
PRDM16-related disorder. Also called: PRDM16-related condition.
Left ventricular noncompaction 8 (LVNC8). Identifiers: Orphanet 154, Orphanet 54260, MedGen C3809288, MONDO:0014152, OMIM 615373.

Allele frequency attached by ClinVar (database versions not stated): gnomAD exomes 0.00001 and 0.00002; ExAC 0.00002; gnomAD 0.00003 and 0.00011; TOPMed 0.00011; 1000 Genomes Project 0.00020; 1000 Genomes Project 30x 0.00031.
gnomAD v4.1: 29 of 1,611,764 alleles (0.0018%); highest among the groups gnomAD compares: East Asian, 0.0045%; no homozygotes.

Submissions (4):

Labcorp Genetics (formerly Invitae), Labcorp
Classification: Likely benign for Left ventricular noncompaction 8. Last evaluated: 2025-12-22. Review status: criteria provided, single submitter. Criteria: Invitae Variant Classification Sherloc (09022015). Collection method: clinical testing. Allele origin: germline.

Ambry Genetics
Classification: Likely benign for Inborn genetic diseases. Last evaluated: 2025-08-27. Review status: criteria provided, single submitter. Criteria: Ambry Variant Classification Scheme 2023. Collection method: clinical testing. Allele origin: germline.

PreventionGenetics, part of Exact Sciences
Classification: Likely benign for PRDM16-related condition. Last evaluated: 2025-02-19. Review status: criteria provided, single submitter. Criteria: ACMG Guidelines, 2015. Collection method: clinical testing. Allele origin: germline.
Comment: This variant is classified as likely benign based on ACMG/AMP sequence variant interpretation guidelines (Richards et al. 2015 PMID: 25741868, with internal and published modifications).

GeneDx
Classification: Likely benign. Last evaluated: 2019-04-03. Review status: criteria provided, single submitter. Criteria: GeneDx Variant Classification Process June 2021. Collection method: clinical testing. Allele origin: germline. Affected: yes.
Comment: See Variant Classification Assertion Criteria.